The following is an entry in ClinVar:

ClinVar aggregate classification (germline): Uncertain significance. Review status: criteria provided, multiple submitters, no conflicts (2 of 4 stars). 3 submissions from 3 submitters: Uncertain significance (3). Last evaluated 2025-08-18.

Conditions:
Cardiac arrhythmia. Also called: Arrhythmia; Cardiac rhythm disease. Identifiers: MedGen C0003811, MONDO:0007263, HP:0011675.
Long QT syndrome (LQTS). Identifiers: MedGen C0023976, MeSH D008133, MONDO:0002442. Disease mechanism: loss of function. Inheritance: Various modes of inheritance.

Allele frequency attached by ClinVar (database versions not stated): gnomAD exomes below 0.00001.
gnomAD v4.1: 3 of 1,614,066 alleles (0.00019%); highest among the groups gnomAD compares: Non-Finnish European, 0.00025%; no homozygotes.

Submissions (3):

Color Diagnostics, LLC DBA Color Health
Classification: Uncertain significance for Cardiac arrhythmia. Last evaluated: 2025-08-18. Review status: criteria provided, single submitter. Criteria: ACMG Guidelines, 2015. Collection method: clinical testing. Allele origin: germline.
Comment: This missense variant replaces phenylalanine with leucine at codon 364 of the KCNQ1 protein. Computational prediction suggests that this variant may have deleterious impact on protein structure and function. To our knowledge, functional studies have not been reported for this variant. This variant has been reported in an individual affected with Brugada syndrome (PMID: 30847666). This variant has not been identified in the general population by the Genome Aggregation Database (gnomAD). The available evidence is insufficient to determine the role of this variant in disease conclusively. Therefore, this variant is classified as a Variant of Uncertain Significance.

Labcorp Genetics (formerly Invitae), Labcorp
Classification: Uncertain significance for Long QT syndrome. Last evaluated: 2024-05-16. Review status: criteria provided, single submitter. Criteria: Invitae Variant Classification Sherloc (09022015). Collection method: clinical testing. Allele origin: germline.
Comment: This sequence change replaces phenylalanine, which is neutral and non-polar, with leucine, which is neutral and non-polar, at codon 364 of the KCNQ1 protein (p.Phe364Leu). This variant is not present in population databases (gnomAD no frequency). This missense change has been observed in individual(s) with Brugada syndrome (PMID: 30847666). Advanced modeling of protein sequence and biophysical properties (such as structural, functional, and spatial information, amino acid conservation, physicochemical variation, residue mobility, and thermodynamic stability) performed at Invitae indicates that this missense variant is expected to disrupt KCNQ1 protein function with a positive predictive value of 95%. In summary, the available evidence is currently insufficient to determine the role of this variant in disease. Therefore, it has been classified as a Variant of Uncertain Significance.

GeneDx
Classification: Uncertain significance. Last evaluated: 2023-08-28. Review status: criteria provided, single submitter. Criteria: GeneDx Variant Classification Process June 2021. Collection method: clinical testing. Allele origin: germline. Affected: yes.
Comment: Reported in association with Brugada syndrome in published literature (PMID: 30847666); This variant is associated with the following publications: (PMID: 30847666)

Literature cited by the submitters: PubMed 30847666 (cited by Color Diagnostics, LLC DBA Color Health and Labcorp Genetics (formerly Invitae), Labcorp).

NM_000218.3(KCNQ1):c.1092C>G (p.Phe364Leu)

Gene: KCNQ1 (potassium voltage-gated channel subfamily Q member 1; plus strand). Cytogenetic location: 11p15.5.
Variant type: single nucleotide variant.
Coding change: c.1092C>G on transcript NM_000218.3 (MANE Select); coding-DNA position 1092, C replaced by G.
Protein change: p.Phe364Leu; replaces phenylalanine 364 with leucine.
Molecular consequence: missense variant. On other transcripts: intron variant (2).
Genome position (GRCh38, 1-based): chr11:2,585,271, C>G. VCF-style: chr11-2585271-C-G. GRCh37 (hg19) VCF-style: chr11-2606501-C-G.
Other names: c.822C>G, p.Phe274Leu (NM_001406837.1); c.711C>G, p.Phe237Leu (NM_181798.2); c.1032+1726C>G (NM_001406836.1); c.588+1726C>G (NM_001406838.1); short protein forms F237L, F274L, F364L.
Identifiers: ClinVar variation 3252959 (VCV003252959.4), dbSNP rs2133754700.